The following is an entry in ClinVar:

ClinVar aggregate classification (germline): Uncertain significance (1 of 4 stars; one submission).

Conditions:
Spermatogenic failure 18. Identifiers: MedGen C4539783, MONDO:0054615, OMIM 617576.
Ciliary dyskinesia, primary, 37 (CILD37). Also called: CILIARY DYSKINESIA, PRIMARY, 37, WITH OR WITHOUT SITUS INVERSUS. Identifiers: MedGen C4539798, MONDO:0033204, OMIM 617577.

gnomAD v4.1: 1 of 1,601,736 alleles (0.000062%); no homozygotes.

Submission:

Labcorp Genetics (formerly Invitae), Labcorp
Classification: Uncertain significance for Ciliary dyskinesia, primary, 37; Spermatogenic failure 18. Last evaluated: 2019-09-16. Review status: criteria provided, single submitter. Criteria: Invitae Variant Classification Sherloc (09022015). Collection method: clinical testing. Allele origin: germline.
Comment: This sequence change replaces arginine with glycine at codon 2592 of the DNAH1 protein (p.Arg2592Gly). The arginine residue is highly conserved and there is a moderate physicochemical difference between arginine and glycine. This variant is not present in population databases (ExAC no frequency). This variant has not been reported in the literature in individuals with DNAH1-related conditions. Algorithms developed to predict the effect of missense changes on protein structure and function are either unavailable or do not agree on the potential impact of this missense change (SIFT: "Deleterious"; PolyPhen-2: "Probably Damaging"; Align-GVGD: "Class C0"). In summary, the available evidence is currently insufficient to determine the role of this variant in disease. Therefore, it has been classified as a Variant of Uncertain Significance.

NM_015512.5(DNAH1):c.7774C>G (p.Arg2592Gly)

Gene: DNAH1 (dynein axonemal heavy chain 1; plus strand). Cytogenetic location: 3p21.1.
Variant type: single nucleotide variant.
Coding change: c.7774C>G on transcript NM_015512.5 (MANE Select); coding-DNA position 7774, C replaced by G.
Protein change: p.Arg2592Gly; replaces arginine 2592 with glycine.
Molecular consequence: missense variant.
Genome position (GRCh38, 1-based): chr3:52,381,805, C>G. VCF-style: chr3-52381805-C-G. GRCh37 (hg19) VCF-style: chr3-52415821-C-G.
Other names: short protein forms R2592G.
Identifiers: ClinVar variation 940142 (VCV000940142.1), dbSNP rs983098291, ClinGen allele CA353180528.